The following is an entry in ClinVar:

ClinVar aggregate classification (germline): Benign/Likely benign. Review status: criteria provided, multiple submitters, no conflicts (2 of 4 stars). 3 submissions from 3 submitters: Benign (1); Likely benign (1). 1 of the submissions does not count toward it. Last evaluated 2026-01-27.

Conditions:
ARHGEF1-related disorder. Also called: ARHGEF1-related condition.

Allele frequency attached by ClinVar (database versions not stated): ESP Exome Variant Server 0.00046; TOPMed 0.00059; 1000 Genomes Project 0.00060; 1000 Genomes Project 30x 0.00062; gnomAD exomes 0.00078 and 0.00089; gnomAD 0.00082 and 0.00086; ExAC 0.00116.
gnomAD v4.1: 1,259 of 1,614,164 alleles (0.078%); highest among the groups gnomAD compares: Non-Finnish European, 0.08%; 1 homozygote.

Submissions (3):

Labcorp Genetics (formerly Invitae), Labcorp
Classification: Benign. Last evaluated: 2026-01-27. Review status: criteria provided, single submitter. Criteria: Invitae Variant Classification Sherloc (09022015). Collection method: clinical testing. Allele origin: germline.

Blueprint Genetics
Classification: Likely benign. Last evaluated: 2024-10-18. Review status: criteria provided, single submitter. Criteria: ACMG Guidelines, 2015. Collection method: clinical testing. Allele origin: germline.

PreventionGenetics, part of Exact Sciences
Classification: Likely benign for ARHGEF1-related condition. Last evaluated: 2020-02-18. Review status: no assertion criteria provided. Collection method: clinical testing. Allele origin: germline. Not counted in ClinVar's aggregate classification.
Comment: This variant is classified as likely benign based on ACMG/AMP sequence variant interpretation guidelines (Richards et al. 2015 PMID: 25741868, with internal and published modifications).

NM_004706.4(ARHGEF1):c.2391G>A (p.Thr797=)

Gene: ARHGEF1 (Rho guanine nucleotide exchange factor 1; plus strand). Cytogenetic location: 19q13.2.
Variant type: single nucleotide variant.
Coding change: c.2391G>A on transcript NM_004706.4 (MANE Select); coding-DNA position 2391, G replaced by A.
Protein change: p.Thr797=; no amino-acid change (threonine 797 retained).
Molecular consequence: synonymous variant.
Genome position (GRCh38, 1-based): chr19:41,905,814, G>A. VCF-style: chr19-41905814-G-A. GRCh37 (hg19) VCF-style: chr19-42409966-G-A.
Other names: c.2292G>A, p.Thr764= (NM_198977.2); c.2436G>A, p.Thr812= (NM_199002.2); c.2436G>A (NM_199002.1).
Identifiers: ClinVar variation 1167472 (VCV001167472.12), dbSNP rs149372116, ClinGen allele CA9466697.